The following is an entry in ClinVar:

ClinVar aggregate classification (germline): Uncertain significance (1 of 4 stars; one submission).

Submission:

Labcorp Genetics (formerly Invitae), Labcorp
Classification: Uncertain significance. Last evaluated: 2024-08-08. Review status: criteria provided, single submitter. Criteria: Invitae Variant Classification Sherloc (09022015). Collection method: clinical testing. Allele origin: germline.
Comment: This sequence change replaces arginine, which is basic and polar, with cysteine, which is neutral and slightly polar, at codon 225 of the BCAP31 protein (p.Arg225Cys). The frequency data for this variant in the population databases is considered unreliable, as metrics indicate poor data quality at this position in the gnomAD database. This variant has not been reported in the literature in individuals affected with BCAP31-related conditions. An algorithm developed to predict the effect of missense changes on protein structure and function (PolyPhen-2) suggests that this variant is likely to be disruptive. In summary, the available evidence is currently insufficient to determine the role of this variant in disease. Therefore, it has been classified as a Variant of Uncertain Significance.

NM_001256447.2(BCAP31):c.673C>T (p.Arg225Cys)

Gene: BCAP31 (B cell receptor associated protein 31; minus strand). Cytogenetic location: Xq28.
Variant type: single nucleotide variant.
Coding change: c.673C>T on transcript NM_001256447.2 (MANE Select); coding-DNA position 673, C replaced by T.
Protein change: p.Arg225Cys; replaces arginine 225 with cysteine.
Molecular consequence: missense variant.
Genome position (GRCh38, 1-based): chrX:153,702,036, G>A on the plus strand (C>T on the coding strand, the complement: BCAP31 is on the minus strand). VCF-style: chrX-153702036-G-A. GRCh37 (hg19) VCF-style: chrX-152967491-G-A.
Other names: c.673C>T, p.Arg225Cys (NM_001139441.1, NM_005745.8); c.874C>T, p.Arg292Cys (NM_001139457.2); short protein forms R225C, R292C.
Identifiers: ClinVar variation 3611539 (VCV003611539.2).